The following is an entry in ClinVar:

ClinVar aggregate classification (germline): Pathogenic (1 of 4 stars; one submission).

Conditions:
Fanconi anemia complementation group O. Also called: RAD51C-Related Fanconi Anemia. Identifiers: Orphanet 84, MedGen C3150653, MONDO:0013248, OMIM 613390.

Submission:

Labcorp Genetics (formerly Invitae), Labcorp
Classification: Pathogenic for Fanconi anemia complementation group O. Last evaluated: 2019-12-11. Review status: criteria provided, single submitter. Criteria: Invitae Variant Classification Sherloc (09022015). Collection method: clinical testing. Allele origin: germline.
Comment: This sequence change creates a premature translational stop signal (p.Leu226Phefs*13) in the RAD51C gene. It is expected to result in an absent or disrupted protein product. This variant is not present in population databases (ExAC no frequency). This variant has not been reported in the literature in individuals with RAD51C-related conditions. Loss-of-function variants in RAD51C are known to be pathogenic (PMID: 20400964, 21990120, 24800917). For these reasons, this variant has been classified as Pathogenic.

Literature cited by the submitters: PubMed 20400964; PubMed 21990120; PubMed 24800917.

NM_058216.3(RAD51C):c.675del (p.Leu226fs)

Genes: RAD51C (RAD51 paralog C; plus strand), LOC129390903 (MPRA-validated peak2919 silencer; plus strand). Cytogenetic location: 17q22.
Variant type: Deletion.
Coding change: c.675del on transcript NM_058216.3 (MANE Select); coding-DNA position 675, one base deleted (T; older notation c.675delT).
Protein change: p.Leu226fs; shifts the reading frame from leucine 226.
Molecular consequence: frameshift variant. On other transcripts: non-coding transcript variant (1).
Genome position (GRCh38, 1-based): chr17:58,703,299, T deleted; the last of 2 consecutive T bases (chr17:58,703,298-58,703,299); deleting either gives the same sequence. VCF-style (leftmost placement, unchanged base first): chr17-58703297-CT-C. GRCh37 (hg19) VCF-style: chr17-56780658-CT-C.
Other names: short protein forms L226fs.
Identifiers: ClinVar variation 844507 (VCV000844507.8), dbSNP rs2048274544, ClinGen allele CA916081892.